The following is an entry in ClinVar:

NM_000482.4(APOA4):c.819C>T (p.Asp273=)

Gene: APOA4 (apolipoprotein A4; minus strand). Cytogenetic location: 11q23.3.
Variant type: single nucleotide variant.
Coding change: c.819C>T on transcript NM_000482.4 (MANE Select); coding-DNA position 819, C replaced by T.
Protein change: p.Asp273=; no amino-acid change (aspartic acid 273 retained).
Molecular consequence: synonymous variant.
Genome position (GRCh38, 1-based): chr11:116,821,239, G>A on the plus strand (C>T on the coding strand, the complement: APOA4 is on the minus strand). VCF-style: chr11-116821239-G-A. GRCh37 (hg19) VCF-style: chr11-116691955-G-A.
Other names: c.819C>T (NM_000482.3).
Identifiers: ClinVar variation 2056141 (VCV002056141.6), dbSNP rs146365840, ClinGen allele CA6289303.
Genomic context (GRCh38, chr11:116,821,239, plus strand): 5'-ACCCAGCTCTGCCAGTGACTTCTGCAGCCCCTCGGTGTTGCCCCTCAGGTTGCCACGCAC[G>A]TCCTCGGCCAAGGGCGCCAGCCTCTGCCGCAGCTCCTCGGCACTGGCCGAGATCCTGGCC-3'
Protein context (NP_000473.2, residues 263-283): LRQRLAPLAE[Asp273=]VRGNLRGNTE

ClinVar aggregate classification (germline): Benign. Review status: criteria provided, single submitter (1 of 4 stars). 2 submissions from 2 submitters: Benign (1). 1 of the submissions does not count toward it. Last evaluated 2025-12-16.

Conditions:
APOA4-related disorder. Also called: APOA4-related condition.

Allele frequency attached by ClinVar (database versions not stated): ESP Exome Variant Server 0.00023; gnomAD 0.00025; gnomAD exomes 0.00043; ExAC 0.00077; 1000 Genomes Project 30x 0.00141; 1000 Genomes Project 0.00180.

Submissions (2):

Labcorp Genetics (formerly Invitae), Labcorp
Classification: Benign. Last evaluated: 2025-12-16. Review status: criteria provided, single submitter. Criteria: Invitae Variant Classification Sherloc (09022015). Collection method: clinical testing. Allele origin: germline.

PreventionGenetics, part of Exact Sciences
Classification: Likely benign for APOA4-related condition. Last evaluated: 2019-06-28. Review status: no assertion criteria provided. Collection method: clinical testing. Allele origin: germline. Not counted in ClinVar's aggregate classification.
Comment: This variant is classified as likely benign based on ACMG/AMP sequence variant interpretation guidelines (Richards et al. 2015 PMID: 25741868, with internal and published modifications).